The following is an entry in ClinVar:

NM_152268.4(PARS2):c.724G>A (p.Val242Ile)

Gene: PARS2 (prolyl-tRNA synthetase 2, mitochondrial; minus strand). Cytogenetic location: 1p32.3.
Variant type: single nucleotide variant.
Coding change: c.724G>A on transcript NM_152268.4 (MANE Select); coding-DNA position 724, G replaced by A.
Protein change: p.Val242Ile; replaces valine 242 with isoleucine.
Molecular consequence: missense variant.
Genome position (GRCh38, 1-based): chr1:54,758,438, C>T on the plus strand (G>A on the coding strand, the complement: PARS2 is on the minus strand). VCF-style: chr1-54758438-C-T. GRCh37 (hg19) VCF-style: chr1-55224111-C-T.
Other names: short protein forms V242I.
Identifiers: ClinVar variation 5009043 (VCV005009043.1).

ClinVar aggregate classification (germline): Uncertain significance (1 of 4 stars; one submission).

Submission:

GeneDx
Classification: Uncertain significance. Last evaluated: 2026-02-18. Review status: criteria provided, single submitter. Criteria: GeneDx Variant Classification Process June 2021. Collection method: clinical testing. Allele origin: germline.
Comment: Not observed at significant frequency in large population cohorts (gnomAD); In silico analysis suggests that this missense variant does not alter protein structure/function; Has not been previously published as pathogenic or benign to our knowledge